The following is an entry in ClinVar:

NM_005609.4(PYGM):c.2525T>A (p.Ile842Asn)

Gene: PYGM (glycogen phosphorylase, muscle associated; minus strand). Cytogenetic location: 11q13.1.
Variant type: single nucleotide variant.
Coding change: c.2525T>A on transcript NM_005609.4 (MANE Select); coding-DNA position 2525, T replaced by A.
Protein change: p.Ile842Asn; replaces isoleucine 842 with asparagine.
Molecular consequence: missense variant.
Genome position (GRCh38, 1-based): chr11:64,746,663, A>T on the plus strand (T>A on the coding strand, the complement: PYGM is on the minus strand). VCF-style: chr11-64746663-A-T. GRCh37 (hg19) VCF-style: chr11-64514135-A-T.
Other names: c.2261T>A, p.Ile754Asn (NM_001164716.1); short protein forms I842N, I754N.
Identifiers: ClinVar variation 2171764 (VCV002171764.4), dbSNP rs2058309986, ClinGen allele CA381162335.

ClinVar aggregate classification (germline): Uncertain significance (1 of 4 stars; one submission).

Conditions:
Glycogen storage disease, type V (GSD5). Also called: MCARDLE DISEASE; MUSCLE GLYCOGEN PHOSPHORYLASE DEFICIENCY; MYOPHOSPHORYLASE DEFICIENCY; PYGM DEFICIENCY; McArdle type glycogen storage disease. Identifiers: Orphanet 368, MedGen C0017924, MONDO:0009293, OMIM 232600.

Submission:

Labcorp Genetics (formerly Invitae), Labcorp
Classification: Uncertain significance for Glycogen storage disease, type V. Last evaluated: 2022-02-18. Review status: criteria provided, single submitter. Criteria: Invitae Variant Classification Sherloc (09022015). Collection method: clinical testing. Allele origin: germline.
Comment: This sequence change replaces isoleucine, which is neutral and non-polar, with asparagine, which is neutral and polar, at codon 842 of the PYGM protein (p.Ile842Asn). This variant is not present in population databases (gnomAD no frequency). This variant has not been reported in the literature in individuals affected with PYGM-related conditions. Algorithms developed to predict the effect of missense changes on protein structure and function are either unavailable or do not agree on the potential impact of this missense change (SIFT: "Not Available"; PolyPhen-2: "Benign"; Align-GVGD: "Not Available"). In summary, the available evidence is currently insufficient to determine the role of this variant in disease. Therefore, it has been classified as a Variant of Uncertain Significance.